The following is an entry in ClinVar:

ClinVar aggregate classification (germline): Likely benign (1 of 4 stars; one submission).

gnomAD v4.1: 31 of 1,614,076 alleles (0.0019%); highest among the groups gnomAD compares: Non-Finnish European, 0.0026%; no homozygotes.

Submission:

CeGaT Center for Human Genetics Tuebingen
Classification: Likely benign. Last evaluated: 2026-02-01. Review status: criteria provided, single submitter. Criteria: CeGaT Center For Human Genetics Tuebingen Variant Classification Criteria Version 2. Collection method: clinical testing. Allele origin: germline. Affected: yes. Observed: 1 variant allele.
Comment: NCDN: BP4, BP7

NM_014284.3(NCDN):c.162A>C (p.Ala54=)

Gene: NCDN (neurochondrin; plus strand). Cytogenetic location: 1p34.3.
Variant type: single nucleotide variant.
Coding change: c.162A>C on transcript NM_014284.3 (MANE Select); coding-DNA position 162, A replaced by C.
Protein change: p.Ala54=; no amino-acid change (alanine 54 retained).
Molecular consequence: synonymous variant.
Genome position (GRCh38, 1-based): chr1:35,559,235, A>C. VCF-style: chr1-35559235-A-C. GRCh37 (hg19) VCF-style: chr1-36024836-A-C.
Other names: c.162A>C, p.Ala54= (NM_001014839.2); c.111A>C, p.Ala37= (NM_001014841.2).
Identifiers: ClinVar variation 4821487 (VCV004821487.4).
Genomic context (GRCh38, chr1:35,559,235, plus strand): 5'-CACCCTGGAGCGCTACCTGGGAGCCCTCCGTGAGGCCAAGAATGACAGCGAGCAGTTTGC[A>C]GCCCTGCTGCTAGTAAGGAACTGGCTGAAAATTGGGAGGTGGGAAGGGCTGGGTGGTTGG-3'
Protein context (NP_055099.1, residues 44-64): REAKNDSEQF[Ala54=]ALLLVTKAVK